The following is an entry in ClinVar:

NM_001113378.2(FANCI):c.2946_2947del (p.Leu983fs)

Gene: FANCI (FA complementation group I; plus strand). Cytogenetic location: 15q26.1.
Variant type: Deletion.
Coding change: c.2946_2947del on transcript NM_001113378.2 (MANE Select); coding-DNA positions 2946 to 2947, 2 bases deleted (CC; older notation c.2946_2947delCC).
Protein change: p.Leu983fs; shifts the reading frame from leucine 983.
Molecular consequence: frameshift variant.
Genome position (GRCh38, 1-based): chr15:89,301,382-89,301,383, CC deleted; deleting any 2 consecutive bases within chr15:89,301,381-89,301,383 gives the same sequence; the c. name uses the placement nearest the transcript's 3' end. VCF-style (leftmost placement, unchanged base first): chr15-89301380-GCC-G. GRCh37 (hg19) VCF-style: chr15-89844611-GCC-G.
Other names: c.2667_2668del, p.Leu890fs (NM_001376910.1); c.2946_2947del, p.Leu983fs (NM_001376911.1); c.2766_2767del, p.Leu923fs (NM_018193.3); short protein forms L890fs, L983fs, L923fs.
Identifiers: ClinVar variation 2889814 (VCV002889814.4), dbSNP rs1235080486, ClinGen allele CA619507926.

ClinVar aggregate classification (germline): Pathogenic/Likely pathogenic. Review status: criteria provided, multiple submitters, no conflicts (2 of 4 stars). 2 submissions from 2 submitters: Pathogenic (1); Likely pathogenic (1). Last evaluated 2024-01-04.

Conditions:
Fanconi anemia (FA). Also called: Fanconi's anemia. Identifiers: Orphanet 84, MedGen C0015625, MeSH D005199, MONDO:0019391.
Fanconi anemia complementation group I (FANCI). Also called: FANCI-Related Fanconi Anemia. Identifiers: Orphanet 84, MedGen C1836861, MONDO:0012186, OMIM 609053.

Submissions (2):

Fulgent Genetics
Classification: Likely pathogenic for Fanconi anemia complementation group I. Last evaluated: 2024-01-04. Review status: criteria provided, single submitter. Criteria: ACMG Guidelines, 2015. Collection method: clinical testing. Allele origin: germline.

Labcorp Genetics (formerly Invitae), Labcorp
Classification: Pathogenic for Fanconi anemia. Last evaluated: 2022-12-20. Review status: criteria provided, single submitter. Criteria: Invitae Variant Classification Sherloc (09022015). Collection method: clinical testing. Allele origin: germline.
Comment: For these reasons, this variant has been classified as Pathogenic. This variant has not been reported in the literature in individuals affected with FANCI-related conditions. This variant is present in population databases (no rsID available, gnomAD 0.007%). This sequence change creates a premature translational stop signal (p.Leu983Profs*57) in the FANCI gene. It is expected to result in an absent or disrupted protein product. Loss-of-function variants in FANCI are known to be pathogenic (PMID: 17452773, 17460694).

Literature cited by the submitters: PubMed 17452773 (cited by Labcorp Genetics (formerly Invitae), Labcorp); PubMed 17460694 (cited by Labcorp Genetics (formerly Invitae), Labcorp).